The following is an entry in ClinVar:

NM_000350.3(ABCA4):c.5196+1G>A

Gene: ABCA4 (ATP binding cassette subfamily A member 4; minus strand). Cytogenetic location: 1p22.1.
Variant type: single nucleotide variant.
Coding change: c.5196+1G>A on transcript NM_000350.3 (MANE Select); the canonical splice donor site of the intron after coding-DNA position 5196, G replaced by A.
Molecular consequence: splice donor variant.
Genome position (GRCh38, 1-based): chr1:94,019,581, C>T on the plus strand (G>A on the coding strand, the complement: ABCA4 is on the minus strand). VCF-style: chr1-94019581-C-T. GRCh37 (hg19) VCF-style: chr1-94485137-C-T.
Identifiers: ClinVar variation 99351 (VCV000099351.55), dbSNP rs61751377, ClinGen allele CA227280.

ClinVar aggregate classification (germline): Pathogenic. Review status: criteria provided, multiple submitters, no conflicts (2 of 4 stars). 14 submissions from 13 submitters: Pathogenic (11). 3 of the submissions do not count toward it. Last evaluated 2026-07-07.

Conditions:
ABCA4-related disorder. Also called: ABCA4-related condition; ABCA4-related disorders. Identifiers: MedGen CN239167.
Retinal dystrophy. Also called: Inherited retinal dystrophy. Identifiers: Orphanet 71862, MedGen C0854723, MeSH D058499, MONDO:0019118, HP:0000556.
Age related macular degeneration 2. Also called: MACULAR DEGENERATION, SENILE; MACULOPATHY, AGE-RELATED, 2; MACULOPATHY, AGE-RELATED. Identifiers: MedGen C3495438, MONDO:0007932, OMIM 153800.
Severe early-childhood-onset retinal dystrophy (STGD1). Also called: MACULAR DYSTROPHY WITH FLECKS, TYPE 1; STGD; Stargardt macular dystrophy; Juvenile onset macular degeneration; Stargardt disease 1. Identifiers: Orphanet 364055, Orphanet 827, MedGen C1855465, MeSH D000080362, MONDO:0009549, OMIM 248200.
maculopathy.

Allele frequency attached by ClinVar (database versions not stated): gnomAD 0.00001; gnomAD exomes 0.00002; TOPMed 0.00002; ExAC 0.00006.
gnomAD v4.1: 29 of 1,601,552 alleles (0.0018%); highest among the groups gnomAD compares: Middle Eastern, 0.017%; no homozygotes.

Submissions (14):

PreventionGenetics, part of Exact Sciences
Classification: Pathogenic for ABCA4-related condition. Last evaluated: 2026-07-07. Review status: criteria provided, single submitter. Criteria: ACMG Guidelines, 2015. Collection method: clinical testing. Allele origin: germline.
Comment: The ABCA4 c.5196+1G>A variant is predicted to disrupt the GT donor site and interfere with normal splicing. This variant has been reported many times in individuals with autosomal recessive retinal disease (see for examples: Allikmets et al. 1997. PubMed ID: 9295268; described as 36 IVS+1G>A, Wiszniewski et al. 2005. PubMed ID: 16103129; Table S1, Lin et al. 2024. PubMed ID: 38219857). Other variants impacting the same canonical splice site (c.5196+1G>T, c.5196+2T>C, c.5196+2T>G) have also been reported in individuals with retinal disease (see for example: Table S1, Lin et al. 2024. PubMed ID: 38219857; Human Gene Mutation Database). This variant is present in 0.0031% of alleles in individuals of Latino descent in gnomAD. Variants that disrupt consensus splice donor sites in ABCA4 are an established mechanism of disease. Given the evidence, we interpret this variant as pathogenic.

Labcorp Genetics (formerly Invitae), Labcorp
Classification: Pathogenic. Last evaluated: 2026-01-27. Review status: criteria provided, single submitter. Criteria: Invitae Variant Classification Sherloc (09022015). Collection method: clinical testing. Allele origin: germline.
Comment: This sequence change affects a donor splice site in intron 36 of the ABCA4 gene. It is expected to disrupt RNA splicing. Variants that disrupt the donor or acceptor splice site typically lead to a loss of protein function (PMID: 16199547), and loss-of-function variants in ABCA4 are known to be pathogenic (PMID: 10958761, 24938718, 25312043, 26780318). The frequency data for this variant in the population databases is considered unreliable, as metrics indicate poor data quality at this position in the gnomAD database. Disruption of this splice site has been observed in individual(s) with retinal disease (PMID: 16103129, 25097241, 27739528, 28118664). In at least one individual the data is consistent with being in trans (on the opposite chromosome) from a pathogenic variant. This variant is also known as 36IVS+1G>A. ClinVar contains an entry for this variant (Variation ID: 99351). Algorithms developed to predict the effect of sequence changes on RNA splicing suggest that this variant may disrupt the consensus splice site. For these reasons, this variant has been classified as Pathogenic.

3billion
Classification: Pathogenic for ABCA4-related disorder. Last evaluated: 2025-12-17. Review status: criteria provided, single submitter. Criteria: ACMG Guidelines, 2015. Collection method: clinical testing. Allele origin: germline. Affected: yes.
Comment: The variant is observed at an extremely low frequency in the gnomAD v4.1.0 dataset (total allele frequency: 0.002%). Predicted Consequence/Location: Canonical splice site: predicted to alter splicing and result in a loss or disruption of normal protein function. Multiple pathogenic loss-of-function variants are reported downstream of the variant. In silico tools predict the variant to alter splicing and produce an abnormal transcript [SpliceAI: 0.99 (spliceogenicity >=0.2, non-spliceogenicity <0.1)]. The variant has been reported at least twice as pathogenic with clinical assertions and evidence for the classification (ClinVar ID: VCV000099351 /PMID: 9295268 /3billion dataset). Therefore, this variant is classified as Pathogenic according to the recommendation of ACMG/AMP guideline.

CeGaT Center for Human Genetics Tuebingen
Classification: Pathogenic. Last evaluated: 2024-01-01. Review status: criteria provided, single submitter. Criteria: CeGaT Center For Human Genetics Tuebingen Variant Classification Criteria Version 2. Collection method: clinical testing. Allele origin: germline. Affected: yes. Observed: 3 variant alleles.
Comment: ABCA4: PM3:Very Strong, PVS1, PM2, PP4, PS3:Supporting

Blueprint Genetics
Classification: Pathogenic for ABCA4-related disorders. Last evaluated: 2023-10-23. Review status: criteria provided, single submitter. Criteria: ACMG Guidelines, 2015. Collection method: clinical testing. Allele origin: germline. Affected: yes. Observed: 5 variant alleles.

Institute of Human Genetics, Univ. Regensburg, Univ. Regensburg
Classification: Pathogenic for Retinal dystrophy. Last evaluated: 2023-01-01. Review status: criteria provided, single submitter. Criteria: ACMG Guidelines, 2015. Collection method: clinical testing. Allele origin: germline. Affected: yes.

GeneDx
Classification: Pathogenic. Last evaluated: 2022-02-08. Review status: criteria provided, single submitter. Criteria: GeneDx Variant Classification Process June 2021. Collection method: clinical testing. Allele origin: germline. Affected: yes.
Comment: Canonical splice site variant in a gene for which loss-of-function is a known mechanism of disease; Not observed at a significant frequency in large population cohorts (gnomAD); This variant is associated with the following publications: (PMID: 10958763, 9666097, 16103129, 9295268, 25097241, 9973280, 11379881, 11818392, 26103963, 26161775, 27739528, 28118664, 30204727, 29925512, 31589614, 32619608, 34426522, 32845068, 33090715, 33301772, 33261146, 25525159, 31736247)

Ocular Genomics Institute, Massachusetts Eye and Ear
Classification: Pathogenic for Severe early-childhood-onset retinal dystrophy. Last evaluated: 2021-04-08. Review status: criteria provided, single submitter. Criteria: ACMG Guidelines, 2015. Collection method: research. Allele origin: germline. Affected: yes.
Comment: Through a review of available evidence we were able to apply the following criteria: PM2, PVS1, PP3, PM3, PS3. Based on this evidence we have classified this variant as Pathogenic.

Institute of Medical Genetics and Applied Genomics, University Hospital Tübingen
Classification: Pathogenic. Last evaluated: 2020-10-23. Review status: criteria provided, single submitter. Criteria: ACMG Guidelines, 2015. Collection method: clinical testing. Allele origin: germline. Inheritance: Autosomal recessive inheritance. Affected: yes.

Centre for Mendelian Genomics, University Medical Centre Ljubljana
Classification: Pathogenic for Age related macular degeneration 2. Last evaluated: 2019-02-24. Review status: criteria provided, single submitter. Criteria: ACMG Guidelines, 2015. Collection method: clinical testing. Allele origin: unknown. Affected: yes.
Comment: This variant was classified as: Pathogenic. The following ACMG criteria were applied in classifying this variant: PVS1,PM2,PP3,PP5.

Institute of Human Genetics, Univ. Regensburg, Univ. Regensburg
Classification: Pathogenic for Severe early-childhood-onset retinal dystrophy. Last evaluated: 2016-01-01. Review status: criteria provided, single submitter. Criteria: Schulz et al. (Invest Ophthalmol Vis Sci. 2017). Collection method: clinical testing, in vitro. Allele origin: germline, unknown. Affected: yes. Observed: 1 heterozygote. Functional consequence: sequence_variant_affecting_splicing.

Sharon lab, Hadassah-Hebrew University Medical Center
Classification: Pathogenic for Maculopathy. Last evaluated: 2019-06-23. Review status: no assertion criteria provided. Collection method: research. Allele origin: inherited. Affected: yes. Not counted in ClinVar's aggregate classification.

Ophthalmo-Genetics Lab, Instituto de Oftalmologia Conde de Valenciana
Classification: Pathogenic for Severe early-childhood-onset retinal dystrophy. Review status: no assertion criteria provided. Collection method: research. Allele origin: germline. Inheritance: Autosomal recessive inheritance. Affected: yes. Not counted in ClinVar's aggregate classification.

Retina International
No classification provided. Review status: no classification provided. Collection method: not provided. Allele origin: not provided. Not counted in ClinVar's aggregate classification.

Literature cited by the submitters: PubMed 16199547 (cited by Labcorp Genetics (formerly Invitae), Labcorp); PubMed 10958761 (cited by Labcorp Genetics (formerly Invitae), Labcorp and Ocular Genomics Institute, Massachusetts Eye and Ear); PubMed 24938718 (cited by Labcorp Genetics (formerly Invitae), Labcorp and Ocular Genomics Institute, Massachusetts Eye and Ear); PubMed 25312043 (cited by Labcorp Genetics (formerly Invitae), Labcorp and Ocular Genomics Institute, Massachusetts Eye and Ear); PubMed 26780318 (cited by Labcorp Genetics (formerly Invitae), Labcorp and Ocular Genomics Institute, Massachusetts Eye and Ear); PubMed 16103129 (cited by 3 submitters); PubMed 25097241 (cited by 3 submitters); PubMed 27739528 (cited by 4 submitters); PubMed 28118664 (cited by 3 submitters); PubMed 9295268 (cited by 3 submitters); PubMed 26161775 (cited by Institute of Human Genetics, Univ. Regensburg, Univ. Regensburg and Ocular Genomics Institute, Massachusetts Eye and Ear); PubMed 25525159 (cited by Institute of Human Genetics, Univ. Regensburg, Univ. Regensburg and Ocular Genomics Institute, Massachusetts Eye and Ear); PubMed 30204727 (cited by Institute of Human Genetics, Univ. Regensburg, Univ. Regensburg); PubMed 31589614 (cited by Institute of Human Genetics, Univ. Regensburg, Univ. Regensburg); PubMed 29925512 (cited by Institute of Human Genetics, Univ. Regensburg, Univ. Regensburg); PubMed 32619608 (cited by Institute of Human Genetics, Univ. Regensburg, Univ. Regensburg); PubMed 31429209 (cited by Institute of Human Genetics, Univ. Regensburg, Univ. Regensburg); PubMed 32307445 (cited by Institute of Human Genetics, Univ. Regensburg, Univ. Regensburg); PubMed 33090715 (cited by Institute of Human Genetics, Univ. Regensburg, Univ. Regensburg); PubMed 32845068 (cited by Institute of Human Genetics, Univ. Regensburg, Univ. Regensburg); PubMed 31456290 (cited by Institute of Human Genetics, Univ. Regensburg, Univ. Regensburg); PubMed 33261146 (cited by Institute of Human Genetics, Univ. Regensburg, Univ. Regensburg); PubMed 32531858 (cited by Institute of Human Genetics, Univ. Regensburg, Univ. Regensburg); PubMed 31736247 (cited by Institute of Human Genetics, Univ. Regensburg, Univ. Regensburg); PubMed 34426522 (cited by Institute of Human Genetics, Univ. Regensburg, Univ. Regensburg); PubMed 33301772 (cited by Institute of Human Genetics, Univ. Regensburg, Univ. Regensburg); PubMed 35119454 (cited by Institute of Human Genetics, Univ. Regensburg, Univ. Regensburg); PubMed 35260635 (cited by Institute of Human Genetics, Univ. Regensburg, Univ. Regensburg); PubMed 36460718 (cited by Institute of Human Genetics, Univ. Regensburg, Univ. Regensburg); PubMed 35076026 (cited by Institute of Human Genetics, Univ. Regensburg, Univ. Regensburg).